The following is an entry in ClinVar:

ClinVar aggregate classification (germline): Likely pathogenic (1 of 4 stars; one submission).

Conditions:
Pituitary hormone deficiency, combined, 2. Also called: PROP1-Related Combined Pituitary Hormone Deficiency; ATELIOTIC DWARFISM WITH HYPOGONADISM; HANHART DWARFISM; PITUITARY DWARFISM III. Identifiers: MedGen C0878683, MONDO:0009878, OMIM 262600.

Submission:

Natera, Inc.
Classification: Likely pathogenic for Combined pituitary hormone deficiency type 2. Last evaluated: 2024-03-12. Review status: criteria provided, single submitter. Criteria: Natera Variant Classification Schema (03/2026). Collection method: clinical testing. Allele origin: germline.
Comment: The c.3G>A variant in PROP1 is predicted to result in start loss due to disruption of the initiator methionine. This variant is expected to result in nonsense mediated decay, truncation, or a dysfunctional protein product. This variant is rare in the general population with a frequency below the threshold expected for the associated phenotype(s). Given the available evidence, this variant is classified as Likely Pathogenic.

NM_006261.5(PROP1):c.3G>A (p.Met1Ile)

Gene: PROP1 (PROP paired-like homeobox 1; minus strand). Cytogenetic location: 5q35.3.
Variant type: single nucleotide variant.
Coding change: c.3G>A on transcript NM_006261.5 (MANE Select); coding-DNA position 3, G replaced by A.
Protein change: p.Met1Ile; changes the start codon (methionine 1).
Molecular consequence: missense variant, initiator codon variant.
Genome position (GRCh38, 1-based): chr5:177,995,931, C>T on the plus strand (G>A on the coding strand, the complement: PROP1 is on the minus strand). VCF-style: chr5-177995931-C-T. GRCh37 (hg19) VCF-style: chr5-177422932-C-T.
Other names: short protein forms M1I.
Identifiers: ClinVar variation 4815501 (VCV004815501.1).